The following is an entry in ClinVar:

NC_012920.1(MT-CYB):m.15834T>C

Gene: MT-CYB (mitochondrially encoded cytochrome b; plus strand).
Variant type: single nucleotide variant.
Genome position: chrM-15834-T-C.
Identifiers: ClinVar variation 693963 (VCV000693963.1), dbSNP rs878937787, ClinGen allele CA337100545.

ClinVar aggregate classification (germline): Uncertain significance (1 of 4 stars; one submission).

Conditions:
Leigh syndrome (NULS). Also called: Leigh's necrotizing encephalopathy; Leigh's disease; Leigh's syndrome; LEIGH SYNDROME, NUCLEAR; Leigh Syndrome (mtDNA deletion); Leigh Disease. Identifiers: Orphanet 506, MedGen C2931891, MONDO:0009723, OMIM 256000.

Submission:

Wong Mito Lab, Molecular and Human Genetics, Baylor College of Medicine
Classification: Uncertain significance for Leigh syndrome. Last evaluated: 2019-10-17. Review status: criteria provided, single submitter. Criteria: Modified ACMG Guidelines (Unpublished). Collection method: clinical testing. Allele origin: germline.
Comment: The NC_012920.1:m.15834T>C (YP_003024038.1:p.Leu363Pro) variant in MTCYB gene is interpretated to be a Uncertain Significance variant based on the modified ACMG guidelines (unpublished). This variant meets the following evidence codes: PP7, BP4